The following is an entry in ClinVar:

NM_000202.8(IDS):c.836del (p.Ala278_Leu279insTer)

Genes: IDS (iduronate 2-sulfatase; minus strand), LOC106050102 (IDS recombination region; plus strand). Cytogenetic location: Xq28.
Variant type: Deletion.
Coding change: c.836del on transcript NM_000202.8 (MANE Select); coding-DNA position 836, one base deleted (T; older notation c.836delT).
Protein change: p.Ala278_Leu279insTer.
Molecular consequence: nonsense. On other transcripts: non-coding transcript variant (1).
Genome position (GRCh38, 1-based): chrX:149,496,389, A deleted on the plus strand (T on the coding strand, the reverse complement: IDS is on the minus strand); the first of 2 consecutive A bases (chrX:149,496,389-149,496,390); deleting either gives the same sequence. VCF-style (leftmost placement, unchanged base first): chrX-149496388-TA-T. GRCh37 (hg19) VCF-style: chrX-148577919-TA-T.
Other names: c.566del, p.Ala188_Leu189insTer (NM_001166550.4); c.836del, p.Ala278_Leu279insTer (NM_006123.5).
Identifiers: ClinVar variation 3255860 (VCV003255860.2).
Genomic context (GRCh38, chrX:149,496,388, plus strand): 5'-AAACTATGTCCTTGATACCTGAAAGTCCACAGGAATTGGACCATACGGCACACTGATGTT[TA>T]AGGCTTGGACGTCTTCCCGTTGCCTGATGTCCATCCAGGGGTTGTAGGCCACAGGGGGTA-3'

ClinVar aggregate classification (germline): Pathogenic (1 of 4 stars; one submission).

Conditions:
Mucopolysaccharidosis, MPS-II (MPS2). Also called: Hunter Syndrome; IDURONATE 2-SULFATASE DEFICIENCY; Mucopolysaccharidosis Type II; Mucopolysaccharidosis type 2; Attenuated MPS (subtype; formerly known as mild MPS II); Severe MPS II. Identifiers: Orphanet 580, Orphanet 79388, MedGen C0026705, MONDO:0010674, OMIM 309900.

Submission:

Laboratory of Diagnosis and Therapy of Lysosomal Disorders, University of Padova
Classification: Pathogenic for Mucopolysaccharidosis, MPS-II. Last evaluated: 2024-06-07. Review status: criteria provided, single submitter. Criteria: ACMG Guidelines, 2015. Collection method: literature only. Allele origin: germline. Affected: yes. Observed: 2 variant alleles.
Comment: Null variant (PVS1_VeryStrong), Absent from controls (or at low frequency) in gnomAD database (PM2_Moderate), Patient’s phenotype or family history highly specific for the disease (PP4_Moderate)

Classification method: ACMG Guidelines [PMID:25741868] with modifications

Literature cited by the submitters: PubMed 11462244; PubMed 9222763.